The following is an entry in ClinVar:

NM_005918.4(MDH2):c.399G>T (p.Pro133=)

Gene: MDH2 (malate dehydrogenase 2; plus strand). Cytogenetic location: 7q11.23.
Variant type: single nucleotide variant.
Coding change: c.399G>T on transcript NM_005918.4 (MANE Select); coding-DNA position 399, G replaced by T.
Protein change: p.Pro133=; no amino-acid change (proline 133 retained).
Molecular consequence: synonymous variant.
Genome position (GRCh38, 1-based): chr7:76,058,048, G>T. VCF-style: chr7-76058048-G-T. GRCh37 (hg19) VCF-style: chr7-75687366-G-T.
Other names: c.399G>T, p.Pro133= (NM_001282403.2); c.78G>T, p.Pro26= (NM_001282404.2).
Identifiers: ClinVar variation 781035 (VCV000781035.37), dbSNP rs61744459, ClinGen allele CA4305517.

ClinVar aggregate classification (germline): Benign/Likely benign. Review status: criteria provided, multiple submitters, no conflicts (2 of 4 stars). 4 submissions from 4 submitters: Benign (1); Likely benign (3). Last evaluated 2026-07-01.

Conditions:
Inborn genetic diseases. Identifiers: MedGen C0950123, MeSH D030342.

Allele frequency attached by ClinVar (database versions not stated): gnomAD 0.00099; ESP Exome Variant Server 0.00123; TOPMed 0.00125; 1000 Genomes Project 30x 0.00141; 1000 Genomes Project 0.00180.
gnomAD v4.1: 407 of 1,613,658 alleles (0.025%); highest among the groups gnomAD compares: African/African-American, 0.36%; 2 homozygotes.

Submissions (4):

CeGaT Center for Human Genetics Tuebingen
Classification: Likely benign. Last evaluated: 2026-07-01. Review status: criteria provided, single submitter. Criteria: CeGaT Center For Human Genetics Tuebingen Variant Classification Criteria Version 2. Collection method: clinical testing. Allele origin: germline. Affected: yes. Observed: 4 variant alleles.
Comment: MDH2: BP4, BP7

Labcorp Genetics (formerly Invitae), Labcorp
Classification: Benign. Last evaluated: 2026-02-03. Review status: criteria provided, single submitter. Criteria: Invitae Variant Classification Sherloc (09022015). Collection method: clinical testing. Allele origin: germline.

Blueprint Genetics
Classification: Likely benign. Last evaluated: 2024-08-12. Review status: criteria provided, single submitter. Criteria: ACMG Guidelines, 2015. Collection method: clinical testing. Allele origin: germline.

Ambry Genetics
Classification: Likely benign for Inborn genetic diseases. Last evaluated: 2022-02-12. Review status: criteria provided, single submitter. Criteria: Ambry Variant Classification Scheme 2023. Collection method: clinical testing. Allele origin: germline.